The following is an entry in ClinVar:

NM_080425.4(GNAS):c.455G>A (p.Gly152Glu)

Gene: GNAS (GNAS complex locus; plus strand). Cytogenetic location: 20q13.32.
Variant type: single nucleotide variant.
Coding change: c.455G>A on transcript NM_080425.4 (MANE Plus Clinical); coding-DNA position 455, G replaced by A.
Protein change: p.Gly152Glu; replaces glycine 152 with glutamic acid.
Molecular consequence: missense variant. On other transcripts: intron variant (3).
Genome position (GRCh38, 1-based): chr20:58,853,720, G>A. VCF-style: chr20-58853720-G-A. GRCh37 (hg19) VCF-style: chr20-57428775-G-A.
Other names: c.-39+11845G>A (NM_001309861.2); c.268G>A, p.Glu90Lys (NM_001077490.3, NM_001309883.1); c.455G>A, p.Gly152Glu (NM_001410913.1); c.*42+12834G>A (NM_016592.5); c.43+12834G>A (NM_001410912.1); short protein forms E90K, G152E.
Identifiers: ClinVar variation 2632237 (VCV002632237.1), dbSNP rs2086282172, ClinGen allele CA409455852.
Genomic context (GRCh38, chr20:58,853,720, plus strand): 5'-AGGCCTTCGGCCCAGCACTCATGGAGCCCGGAGCCTTCAGTGGTGCCAGACCAGGCCTGG[G>A]AGGATACAGCCCTCCACCAGAAGAAGCTATGCCCTTTGAGTTTGACCAGCCTGCCCAGAG-3'
Protein context (NP_536350.2, residues 142-162): GAFSGARPGL[Gly152Glu]GYSPPPEEAM

ClinVar aggregate classification (germline): Uncertain significance (1 of 4 stars; one submission).

Conditions:
GNAS-related disorder. Identifiers: MedGen CN380105.

gnomAD v4.1: 3 of 1,613,880 alleles (0.00019%); highest among the groups gnomAD compares: Non-Finnish European, 0.00025%; no homozygotes.

Submission:

PreventionGenetics, part of Exact Sciences
Classification: Uncertain significance for GNAS-related condition. Last evaluated: 2023-07-24. Review status: criteria provided, single submitter. Criteria: ACMG Guidelines, 2015. Collection method: clinical testing. Allele origin: germline.
Comment: The GNAS c.455G>A variant is predicted to result in the amino acid substitution p.Gly152Glu. To our knowledge, this variant has not been reported in the literature or in a large population database, indicating this variant is rare. At this time, the clinical significance of this variant is uncertain due to the absence of conclusive functional and genetic evidence.